The following is an entry in ClinVar:

NM_004839.4(HOMER2):c.844-47C>T

Gene: HOMER2 (homer scaffold protein 2; minus strand). Cytogenetic location: 15q25.2.
Variant type: single nucleotide variant.
Coding change: c.844-47C>T on transcript NM_004839.4 (MANE Select); 47 bases into the intron before coding-DNA position 844, C replaced by T.
Molecular consequence: intron variant.
Genome position (GRCh38, 1-based): chr15:82,849,950, G>A on the plus strand (C>T on the coding strand, the complement: HOMER2 is on the minus strand). VCF-style: chr15-82849950-G-A. GRCh37 (hg19) VCF-style: chr15-83518702-G-A.
Other names: c.877-47C>T (NM_199330.3).
Identifiers: ClinVar variation 683266 (VCV000683266.2), dbSNP rs7164147, ClinGen allele CA7701984.

ClinVar aggregate classification (germline): Benign. Review status: criteria provided, multiple submitters, no conflicts (2 of 4 stars). 2 submissions from 2 submitters: Benign (2). Last evaluated 2018-06-16.

Allele frequency attached by ClinVar (database versions not stated): gnomAD exomes 0.00311 and 0.00711; ExAC 0.00774; 1000 Genomes Project 0.01997; gnomAD 0.02173 and 0.02325; ESP Exome Variant Server 0.02286; 1000 Genomes Project 30x 0.02358; TOPMed 0.02437.
gnomAD v4.1: 8,009 of 1,582,130 alleles (0.51%); highest among the groups gnomAD compares: African/African-American, 7%; 216 homozygotes.

Submissions (2):

GeneDx
Classification: Benign. Last evaluated: 2018-06-16. Review status: criteria provided, single submitter. Criteria: GeneDx Variant Classification (06012015). Collection method: clinical testing. Allele origin: germline. Affected: yes.
Comment: This variant is considered likely benign or benign based on one or more of the following criteria: it is a conservative change, it occurs at a poorly conserved position in the protein, it is predicted to be benign by multiple in silico algorithms, and/or has population frequency not consistent with disease.

Breakthrough Genomics
Classification: Benign. Review status: criteria provided, single submitter. Criteria: ACMG Guidelines, 2015. Collection method: not provided. Allele origin: germline. Inheritance: Autosomal dominant inheritance. Affected: yes.